The following is an entry in ClinVar:

NM_001184880.2(PCDH19):c.419A>G (p.Glu140Gly)

Gene: PCDH19 (protocadherin 19; minus strand). Cytogenetic location: Xq22.1.
Variant type: single nucleotide variant.
Coding change: c.419A>G on transcript NM_001184880.2 (MANE Select); coding-DNA position 419, A replaced by G.
Protein change: p.Glu140Gly; replaces glutamic acid 140 with glycine.
Molecular consequence: missense variant.
Genome position (GRCh38, 1-based): chrX:100,408,179, T>C on the plus strand (A>G on the coding strand, the complement: PCDH19 is on the minus strand). VCF-style: chrX-100408179-T-C. GRCh37 (hg19) VCF-style: chrX-99663177-T-C.
Other names: c.419A>G, p.Glu140Gly (NM_001105243.2, NM_020766.3); short protein forms E140G.
Identifiers: ClinVar variation 860204 (VCV000860204.13), dbSNP rs1928460473, ClinGen allele CA414009780.
Genomic context (GRCh38, chrX:100,408,179, plus strand): 5'-CTTCCTGAGTCTGGATCGTAAGCGCTGTCCAGCGGGATGCGCGTGCCAGGGCTGGCTGCC[T>C]CCGAGATCTCCAGCTCGATCTGTGCTGCCGGGAAACTGGGCGCATTGTCGTTCAGGTCCT-3'
Protein context (NP_001171809.1, residues 130-150): PAAQIELEIS[Glu140Gly]AASPGTRIPL

ClinVar aggregate classification (germline): Likely pathogenic (1 of 4 stars; one submission).

Conditions:
Developmental and epileptic encephalopathy, 9 (DEE9). Also called: Early infantile epileptic encephalopathy 9; PCDH19-Related X-Linked Female-Limited Epilepsy with Mental Retardation; JUBERG-HELLMAN SYNDROME; EPILEPSY, FEMALE-RESTRICTED, WITH MENTAL RETARDATION. Identifiers: Orphanet 101039, Orphanet 2076, MedGen C1848137, MONDO:0010246, OMIM 300088. Disease mechanism: loss of function.

Submission:

Labcorp Genetics (formerly Invitae), Labcorp
Classification: Likely pathogenic for Developmental and epileptic encephalopathy, 9. Last evaluated: 2025-05-27. Review status: criteria provided, single submitter. Criteria: Invitae Variant Classification Sherloc (09022015). Collection method: clinical testing. Allele origin: germline.
Comment: This sequence change replaces glutamic acid, which is acidic and polar, with glycine, which is neutral and non-polar, at codon 140 of the PCDH19 protein (p.Glu140Gly). This variant is not present in population databases (gnomAD no frequency). This missense change has been observed in individual(s) with autism (PMID: 34615535). ClinVar contains an entry for this variant (Variation ID: 860204). Invitae Evidence Modeling of protein sequence and biophysical properties (such as structural, functional, and spatial information, amino acid conservation, physicochemical variation, residue mobility, and thermodynamic stability) indicates that this missense variant is expected to disrupt PCDH19 protein function with a positive predictive value of 95%. This variant disrupts the p.Glu140 amino acid residue in PCDH19. Other variant(s) that disrupt this residue have been determined to be pathogenic (internal data). This suggests that this residue is clinically significant, and that variants that disrupt this residue are likely to be disease-causing. In summary, the currently available evidence indicates that the variant is pathogenic, but additional data are needed to prove that conclusively. Therefore, this variant has been classified as Likely Pathogenic.

Literature cited by the submitters: PubMed 34615535.